The following is an entry in ClinVar:

ClinVar aggregate classification (germline): Uncertain significance (1 of 4 stars; one submission).

Allele frequency attached by ClinVar (database versions not stated): gnomAD exomes below 0.00001.
gnomAD v4.1: 2 of 1,612,658 alleles (0.00012%); highest among the groups gnomAD compares: African/African-American, 0.0013%; no homozygotes.

Submission:

Labcorp Genetics (formerly Invitae), Labcorp
Classification: Uncertain significance. Last evaluated: 2022-08-23. Review status: criteria provided, single submitter. Criteria: Invitae Variant Classification Sherloc (09022015). Collection method: clinical testing. Allele origin: germline.
Comment: In summary, the available evidence is currently insufficient to determine the role of this variant in disease. Therefore, it has been classified as a Variant of Uncertain Significance. Algorithms developed to predict the effect of missense changes on protein structure and function output the following: SIFT: "Tolerated"; PolyPhen-2: "Benign"; Align-GVGD: "Class C0". The isoleucine amino acid residue is found in multiple mammalian species, which suggests that this missense change does not adversely affect protein function. ClinVar contains an entry for this variant (Variation ID: 1479604). This variant has not been reported in the literature in individuals affected with RDH11-related conditions. This variant is not present in population databases (gnomAD no frequency). This sequence change replaces valine, which is neutral and non-polar, with isoleucine, which is neutral and non-polar, at codon 148 of the RDH11 protein (p.Val148Ile).

NM_016026.4(RDH11):c.442G>A (p.Val148Ile)

Genes: GPHN (gephyrin; plus strand), RDH11 (retinol dehydrogenase 11; minus strand). Cytogenetic location: 14q24.1.
Variant type: single nucleotide variant.
Coding change: c.442G>A on transcript NM_016026.4 (MANE Select); coding-DNA position 442, G replaced by A.
Protein change: p.Val148Ile; replaces valine 148 with isoleucine.
Molecular consequence: missense variant.
Genome position (GRCh38, 1-based): chr14:67,691,152, C>T on the plus strand (G>A on the coding strand, the complement: RDH11 is on the minus strand). VCF-style: chr14-67691152-C-T. GRCh37 (hg19) VCF-style: chr14-68157869-C-T.
Other names: c.442G>A, p.Val148Ile (NM_001252650.2); short protein forms V148I.
Identifiers: ClinVar variation 1479604 (VCV001479604.5), dbSNP rs2140079892, ClinGen allele CA390134219.
Genomic context (GRCh38, chr14:67,691,152, plus strand): 5'-AGAGAATTTTGGGTCTCTCTAGCTTTGTGATAAGGCCAGATTTCTTACCCAAGTGGTTGA[C>T]TCCTATGTGCATCTCAAAGCCATCTGCTGTCTTCGAGTACGGACACATCATCACTCCTGC-3'
Protein context (NP_057110.3, residues 138-158): TADGFEMHIG[Val148Ile]NHLGHFLLTH